The following is an entry in ClinVar:

ClinVar aggregate classification (germline): Uncertain significance (1 of 4 stars; one submission).

Submission:

Labcorp Genetics (formerly Invitae), Labcorp
Classification: Uncertain significance. Last evaluated: 2025-11-09. Review status: criteria provided, single submitter. Criteria: Invitae Variant Classification Sherloc (09022015). Collection method: clinical testing. Allele origin: germline.
Comment: This sequence change creates a premature translational stop signal (p.Glu910*) in the GUCY2C gene. It is expected to result in an absent or disrupted protein product. However, the current clinical and genetic evidence is not sufficient to establish whether loss-of-function variants in GUCY2C cause disease. This variant is not present in population databases (gnomAD no frequency). This variant has not been reported in the literature in individuals affected with GUCY2C-related conditions. Algorithms developed to predict the effect of sequence changes on RNA splicing suggest that this variant may disrupt the consensus splice site. In summary, the available evidence is currently insufficient to determine the role of this variant in disease. Therefore, it has been classified as a Variant of Uncertain Significance.

NM_004963.4(GUCY2C):c.2728G>T (p.Glu910Ter)

Gene: GUCY2C (guanylate cyclase 2C; minus strand). Cytogenetic location: 12p12.3.
Variant type: single nucleotide variant.
Coding change: c.2728G>T on transcript NM_004963.4 (MANE Select); coding-DNA position 2728, G replaced by T.
Protein change: p.Glu910Ter; replaces glutamic acid 910 with a stop codon.
Molecular consequence: nonsense.
Genome position (GRCh38, 1-based): chr12:14,621,090, C>A on the plus strand (G>T on the coding strand, the complement: GUCY2C is on the minus strand). VCF-style: chr12-14621090-C-A. GRCh37 (hg19) VCF-style: chr12-14774024-C-A.
Other names: short protein forms E910*.
Identifiers: ClinVar variation 4730832 (VCV004730832.1).
Genomic context (GRCh38, chr12:14,621,090, plus strand): 5'-TCAACTCCATACCAGAGTGAACTCCAATGCGAATCCATATTGGGAGGCCAGGAAGATGCT[C>A]CAGCTCAAAGGTCCCCATGAAGCTGAGGATTTCCAAGGCCATCTTGGCAATGTCTATTGC-3'